The following is an entry in ClinVar:

NM_003482.4(KMT2D):c.13654CTGAAACAG[3] (p.Gln4557_Glu4558insLeuLysGln)

Gene: KMT2D (lysine methyltransferase 2D; minus strand). Cytogenetic location: 12q13.12.
Variant type: Microsatellite.
Coding change: c.13654CTGAAACAG[3] on transcript NM_003482.4 (MANE Select); three copies in a row of the 9-base unit CTGAAACAG starting at c.13654; the reference has two copies in a row; one copy, 9 bases duplicated.
Protein change: p.Gln4557_Glu4558insLeuLysGln.
Genome position (GRCh38, 1-based): chr12:49,030,893-49,030,901, CTGTTTCAG duplicated on the plus strand (CTGAAACAG on the coding strand, the reverse complement: KMT2D is on the minus strand); duplicating any 9 consecutive bases within chr12:49,030,893-49,030,911 gives the same sequence; the position shown is the placement nearest the transcript's 3' end. VCF-style (leftmost placement, unchanged base first): chr12-49030892-C-CCTGTTTCAG. GRCh37 (hg19) VCF-style: chr12-49424675-C-CCTGTTTCAG.
Identifiers: ClinVar variation 4775279 (VCV004775279.1).

ClinVar aggregate classification (germline): Uncertain significance (1 of 4 stars; one submission).

Conditions:
Kabuki syndrome. Also called: NIIKAWA-KUROKI SYNDROME; Kabuki make-up syndrome. Identifiers: Orphanet 2322, MedGen C0796004, MONDO:0016512.

Submission:

Labcorp Genetics (formerly Invitae), Labcorp
Classification: Uncertain significance for Kabuki syndrome. Last evaluated: 2025-11-13. Review status: criteria provided, single submitter. Criteria: Invitae Variant Classification Sherloc (09022015). Collection method: clinical testing. Allele origin: germline.
Comment: This variant, c.13663_13671dup, results in the insertion of 3 amino acid(s) of the KMT2D protein (Splice site), but otherwise preserves the integrity of the reading frame. This variant is not present in population databases (gnomAD no frequency). This variant has not been reported in the literature in individuals affected with KMT2D-related conditions. Algorithms developed to predict the effect of sequence changes on RNA splicing suggest that this variant may disrupt the consensus splice site. In summary, the available evidence is currently insufficient to determine the role of this variant in disease. Therefore, it has been classified as a Variant of Uncertain Significance.